The following is an entry in ClinVar:

NM_016239.4(MYO15A):c.7998G>C (p.Glu2666Asp)

Gene: MYO15A (myosin XVA; plus strand). Cytogenetic location: 17p11.2.
Variant type: single nucleotide variant.
Coding change: c.7998G>C on transcript NM_016239.4 (MANE Select); coding-DNA position 7998, G replaced by C.
Protein change: p.Glu2666Asp; replaces glutamic acid 2666 with aspartic acid.
Molecular consequence: missense variant.
Genome position (GRCh38, 1-based): chr17:18,153,806, G>C. VCF-style: chr17-18153806-G-C. GRCh37 (hg19) VCF-style: chr17-18057120-G-C.
Other names: c.7998G>C (NM_016239.3); short protein forms E2666D.
Identifiers: ClinVar variation 1429494 (VCV001429494.8), dbSNP rs1189743489, ClinGen allele CA398622696.
Genomic context (GRCh38, chr17:18,153,806, plus strand): 5'-CCTGACTCCCTGATCCCCGCGCTCTCCAGCTCTGCCCTCGCGATCGCTGGAGCCCCCTGA[G>C]GAACTCACGCAGACGCGGCTGCACCGCCTCATCAATCCCAACTTCTACGGCTATCAGGAC-3'
Protein context (NP_057323.3, residues 2656-2676): ALPSRSLEPP[Glu2666Asp]ELTQTRLHRL

ClinVar aggregate classification (germline): Uncertain significance. Review status: criteria provided, multiple submitters, no conflicts (2 of 4 stars). 2 submissions from 2 submitters: Uncertain significance (2). Last evaluated 2025-04-14.

Conditions:
Inborn genetic diseases. Identifiers: MedGen C0950123, MeSH D030342.

Allele frequency attached by ClinVar (database versions not stated): TOPMed 0.00005; gnomAD 0.00007 and 0.00008.
gnomAD v4.1: 27 of 1,613,710 alleles (0.0017%); highest among the groups gnomAD compares: African/African-American, 0.035%; no homozygotes.

Submissions (2):

Ambry Genetics
Classification: Uncertain significance for Inborn genetic diseases. Last evaluated: 2025-04-14. Review status: criteria provided, single submitter. Criteria: Ambry Variant Classification Scheme 2023. Collection method: clinical testing. Allele origin: germline.

Labcorp Genetics (formerly Invitae), Labcorp
Classification: Uncertain significance. Last evaluated: 2024-12-02. Review status: criteria provided, single submitter. Criteria: Invitae Variant Classification Sherloc (09022015). Collection method: clinical testing. Allele origin: germline.
Comment: This sequence change replaces glutamic acid, which is acidic and polar, with aspartic acid, which is acidic and polar, at codon 2666 of the MYO15A protein (p.Glu2666Asp). This variant is present in population databases (no rsID available, gnomAD 0.03%). This variant has not been reported in the literature in individuals affected with MYO15A-related conditions. ClinVar contains an entry for this variant (Variation ID: 1429494). Invitae Evidence Modeling of protein sequence and biophysical properties (such as structural, functional, and spatial information, amino acid conservation, physicochemical variation, residue mobility, and thermodynamic stability) indicates that this missense variant is not expected to disrupt MYO15A protein function with a negative predictive value of 95%. In summary, the available evidence is currently insufficient to determine the role of this variant in disease. Therefore, it has been classified as a Variant of Uncertain Significance.